The following is an entry in ClinVar:

ClinVar aggregate classification (germline): Uncertain significance. Review status: criteria provided, multiple submitters, no conflicts (2 of 4 stars). 2 submissions from 2 submitters: Uncertain significance (2). Last evaluated 2023-06-25.

Conditions:
Pierson syndrome. Also called: MICROCORIA-CONGENITAL NEPHROTIC SYNDROME. Identifiers: Orphanet 2670, MedGen C1836876, MONDO:0012184, OMIM 609049.
LAMB2-related infantile-onset nephrotic syndrome. Also called: Nephrotic Syndrome, type 5; NEPHROTIC SYNDROME, TYPE 5, WITHOUT OCULAR ABNORMALITIES; NEPHROTIC SYNDROME, TYPE 5, WITH OCULAR ABNORMALITIES. Identifiers: Orphanet 306507, MedGen C3280113, MONDO:0013621, OMIM 614199.

Submissions (2):

Labcorp Genetics (formerly Invitae), Labcorp
Classification: Uncertain significance for LAMB2-related infantile-onset nephrotic syndrome; Pierson syndrome. Last evaluated: 2023-06-25. Review status: criteria provided, single submitter. Criteria: Invitae Variant Classification Sherloc (09022015). Collection method: clinical testing. Allele origin: germline.
Comment: In summary, the available evidence is currently insufficient to determine the role of this variant in disease. Therefore, it has been classified as a Variant of Uncertain Significance. An algorithm developed to predict the effect of missense changes on protein structure and function (PolyPhen-2) suggests that this variant is likely to be disruptive. ClinVar contains an entry for this variant (Variation ID: 1407293). This variant has not been reported in the literature in individuals affected with LAMB2-related conditions. This variant is present in population databases (rs369408727, gnomAD 0.006%). This sequence change replaces arginine, which is basic and polar, with cysteine, which is neutral and slightly polar, at codon 584 of the LAMB2 protein (p.Arg584Cys).

Fulgent Genetics
Classification: Uncertain significance for Pierson syndrome; LAMB2-related infantile-onset nephrotic syndrome. Last evaluated: 2021-10-25. Review status: criteria provided, single submitter. Criteria: ACMG Guidelines, 2015. Collection method: clinical testing. Allele origin: unknown.

NM_002292.4(LAMB2):c.1750C>T (p.Arg584Cys)

Gene: LAMB2 (laminin subunit beta 2; minus strand). Cytogenetic location: 3p21.31.
Variant type: single nucleotide variant.
Coding change: c.1750C>T on transcript NM_002292.4 (MANE Select); coding-DNA position 1750, C replaced by T.
Protein change: p.Arg584Cys; replaces arginine 584 with cysteine.
Molecular consequence: missense variant.
Genome position (GRCh38, 1-based): chr3:49,128,801, G>A on the plus strand (C>T on the coding strand, the complement: LAMB2 is on the minus strand). VCF-style: chr3-49128801-G-A. GRCh37 (hg19) VCF-style: chr3-49166234-G-A.
Other names: short protein forms R584C.
Identifiers: ClinVar variation 1407293 (VCV001407293.7), dbSNP rs369408727, ClinGen allele CA2394504.